The following is an entry in ClinVar:

NM_201253.3(CRB1):c.4137C>G (p.Tyr1379Ter)

Gene: CRB1 (crumbs cell polarity complex component 1; plus strand). Cytogenetic location: 1q31.3.
Variant type: single nucleotide variant.
Coding change: c.4137C>G on transcript NM_201253.3 (MANE Select); coding-DNA position 4137, C replaced by G.
Protein change: p.Tyr1379Ter; replaces tyrosine 1379 with a stop codon.
Molecular consequence: nonsense. On other transcripts: non-coding transcript variant (2).
Genome position (GRCh38, 1-based): chr1:197,477,795, C>G. VCF-style: chr1-197477795-C-G. GRCh37 (hg19) VCF-style: chr1-197446925-C-G.
Other names: c.3801C>G, p.Tyr1267Ter (NM_001193640.2); c.4065C>G, p.Tyr1355Ter (NM_001257965.2); c.2529C>G, p.Tyr843Ter (NM_001257966.2); short protein forms Y843*, Y1267*, Y1355*, Y1379*.
Identifiers: ClinVar variation 1454084 (VCV001454084.6), dbSNP rs1206810310, ClinGen allele CA344035752.

ClinVar aggregate classification (germline): Pathogenic (1 of 4 stars; one submission).

Conditions:
Retinitis pigmentosa 12 (RP12). Also called: RP WITH OR WITHOUT PPRPE; RP WITH OR WITHOUT PRESERVED PARAARTERIOLE RETINAL PIGMENT EPITHELIUM; RETINITIS PIGMENTOSA WITH OR WITHOUT PARAARTERIOLAR PRESERVATION OF RETINAL PIGMENT EPITHELIUM. Identifiers: Orphanet 791, MedGen C1838647, MONDO:0010818, OMIM 600105.
Leber congenital amaurosis 8 (LCA8). Identifiers: Orphanet 65, MedGen C3151202, MONDO:0013453, OMIM 613835.

Submission:

Labcorp Genetics (formerly Invitae), Labcorp
Classification: Pathogenic for Leber congenital amaurosis 8; Retinitis pigmentosa 12. Last evaluated: 2024-11-11. Review status: criteria provided, single submitter. Criteria: Invitae Variant Classification Sherloc (09022015). Collection method: clinical testing. Allele origin: germline.
Comment: This sequence change creates a premature translational stop signal (p.Tyr1379*) in the CRB1 gene. While this is not anticipated to result in nonsense mediated decay, it is expected to disrupt the last 28 amino acid(s) of the CRB1 protein. This variant is not present in population databases (gnomAD no frequency). This variant has not been reported in the literature in individuals affected with CRB1-related conditions. ClinVar contains an entry for this variant (Variation ID: 1454084). This variant disrupts a region of the CRB1 protein in which other variant(s) (p.Pro1381Leu) have been determined to be pathogenic (PMID: 20956273, 23379534, 24811962). This suggests that this is a clinically significant region of the protein, and that variants that disrupt it are likely to be disease-causing. For these reasons, this variant has been classified as Pathogenic.

Literature cited by the submitters: PubMed 20956273; PubMed 23379534; PubMed 24811962.